The following is an entry in ClinVar:

ClinVar aggregate classification (germline): Benign/Likely benign. Review status: criteria provided, multiple submitters, no conflicts (2 of 4 stars). 7 submissions from 6 submitters: Benign (3); Likely benign (3). 1 of the submissions does not count toward it. Last evaluated 2026-01-24.

Conditions:
Nephronophthisis. Also called: Juvenile Nephronophthisis. Identifiers: Orphanet 655, MedGen C0687120, MONDO:0019005, HP:0000090.
Nephronophthisis 4 (NPHP4). Also called: NEPHRONOPHTHISIS 4, JUVENILE. Identifiers: Orphanet 655, MedGen C1847013, MONDO:0011752, OMIM 606966.
Senior-Loken syndrome 4 (SLSN4). Identifiers: Orphanet 3156, MedGen C1846979, MONDO:0011756, OMIM 606996.

Allele frequency attached by ClinVar (database versions not stated): gnomAD exomes 0.00077; ExAC 0.00100; gnomAD 0.00311 and 0.00328; TOPMed 0.00376; ESP Exome Variant Server 0.00387; 1000 Genomes Project 0.00539; 1000 Genomes Project 30x 0.00625.
gnomAD v4.1: 878 of 1,614,042 alleles (0.054%); highest among the groups gnomAD compares: African/African-American, 1.1%; 4 homozygotes.

Submissions (7):

Labcorp Genetics (formerly Invitae), Labcorp
Classification: Benign for Nephronophthisis. Last evaluated: 2026-01-24. Review status: criteria provided, single submitter. Criteria: Invitae Variant Classification Sherloc (09022015). Collection method: clinical testing. Allele origin: germline.

Mayo Clinic Laboratories, Mayo Clinic
Classification: Likely benign. Last evaluated: 2024-12-16. Review status: criteria provided, single submitter. Criteria: ACMG Guidelines, 2015. Collection method: clinical testing. Allele origin: germline. Observed: 3 variant alleles.
Comment: BS1, BS2, PP3

Blueprint Genetics
Classification: Likely benign. Last evaluated: 2024-11-13. Review status: criteria provided, single submitter. Criteria: ACMG Guidelines, 2015. Collection method: clinical testing. Allele origin: germline.

CeGaT Center for Human Genetics Tuebingen
Classification: Benign. Last evaluated: 2024-01-01. Review status: criteria provided, single submitter. Criteria: CeGaT Center For Human Genetics Tuebingen Variant Classification Criteria Version 2. Collection method: clinical testing. Allele origin: germline. Affected: yes. Observed: 1 variant allele.
Comment: NPHP4: BS1, BS2

Illumina Laboratory Services, Illumina
Classification: Benign for Senior-Loken syndrome 4. Last evaluated: 2018-01-13. Review status: criteria provided, single submitter. Criteria: ICSL Variant Classification Criteria 13 December 2019. Collection method: clinical testing. Allele origin: germline.
Comment: This variant was observed in the ICSL laboratory as part of a predisposition screen in an ostensibly healthy population. It had not been previously curated by ICSL or reported in the Human Gene Mutation Database (HGMD: prior to June 1st, 2018), and was therefore a candidate for classification through an automated scoring system. Utilizing variant allele frequency, disease prevalence and penetrance estimates, and inheritance mode, an automated score was calculated to assess if this variant is too frequent to cause the disease. Based on the score and internal cut-off values, a variant classified as benign is not then subjected to further curation. The score for this variant resulted in a classification of benign for this disease.

Illumina Laboratory Services, Illumina
Classification: Likely benign for Nephronophthisis 4. Last evaluated: 2018-01-13. Review status: criteria provided, single submitter. Criteria: ICSL Variant Classification Criteria 13 December 2019. Collection method: clinical testing. Allele origin: germline.
Comment: This variant was observed in the ICSL laboratory as part of a predisposition screen in an ostensibly healthy population. It had not been previously curated by ICSL or reported in the Human Gene Mutation Database (HGMD: prior to June 1st, 2018), and was therefore a candidate for classification through an automated scoring system. Utilizing variant allele frequency, disease prevalence and penetrance estimates, and inheritance mode, an automated score was calculated to assess if this variant is too frequent to cause the disease. Based on the score and internal cut-off values, a variant classified as likely benign is not then subjected to further curation. The score for this variant resulted in a classification of likely benign for this disease.

Genetic Services Laboratory, University of Chicago
Classification: Likely benign. Last evaluated: 2022-11-21. Review status: no assertion criteria provided. Collection method: clinical testing. Allele origin: germline. Affected: no. Not counted in ClinVar's aggregate classification.

NM_015102.5(NPHP4):c.4237G>A (p.Asp1413Asn)

Gene: NPHP4 (nephrocystin 4; minus strand). Cytogenetic location: 1p36.31.
Variant type: single nucleotide variant.
Coding change: c.4237G>A on transcript NM_015102.5 (MANE Select); coding-DNA position 4237, G replaced by A.
Protein change: p.Asp1413Asn; replaces aspartic acid 1413 with asparagine.
Molecular consequence: missense variant. On other transcripts: non-coding transcript variant (1).
Genome position (GRCh38, 1-based): chr1:5,863,309, C>T on the plus strand (G>A on the coding strand, the complement: NPHP4 is on the minus strand). VCF-style: chr1-5863309-C-T. GRCh37 (hg19) VCF-style: chr1-5923369-C-T.
Other names: p.Asp1413Asn; c.2698G>A, p.Asp900Asn (NM_001291593.2); c.2701G>A, p.Asp901Asn (NM_001291594.2); short protein forms D1413N, D900N, D901N.
Identifiers: ClinVar variation 297784 (VCV000297784.39), dbSNP rs115910810, ClinGen allele CA553294.